The following is an entry in ClinVar:

NM_001042492.3(NF1):c.5719T>A (p.Phe1907Ile)

Gene: NF1 (neurofibromin 1; plus strand). Cytogenetic location: 17q11.2.
Variant type: single nucleotide variant.
Coding change: c.5719T>A on transcript NM_001042492.3 (MANE Select); coding-DNA position 5719, T replaced by A.
Protein change: p.Phe1907Ile; replaces phenylalanine 1907 with isoleucine.
Molecular consequence: missense variant.
Genome position (GRCh38, 1-based): chr17:31,330,405, T>A. VCF-style: chr17-31330405-T-A. GRCh37 (hg19) VCF-style: chr17-29657423-T-A.
Other names: c.5656T>A, p.Phe1886Ile (NM_000267.4); short protein forms F1886I, F1907I.
Identifiers: ClinVar variation 4615794 (VCV004615794.2).

ClinVar aggregate classification (germline): Uncertain significance (1 of 4 stars; one submission).

Conditions:
Cardiovascular phenotype. Identifiers: MedGen CN230736.
Hereditary cancer-predisposing syndrome. Also called: Neoplastic Syndromes, Hereditary; Tumor predisposition; Hereditary Cancer Syndrome; Hereditary neoplastic syndrome. Identifiers: Orphanet 140162, MedGen C0027672, MeSH D009386, MONDO:0015356.

Submission:

Ambry Genetics
Classification: Uncertain significance for Cardiovascular phenotype; Hereditary cancer-predisposing syndrome. Last evaluated: 2026-04-30. Review status: criteria provided, single submitter. Criteria: Ambry Variant Classification Scheme 2023. Collection method: clinical testing. Allele origin: germline.
Comment: The p.F1886I variant (also known as c.5656T>A), located in coding exon 38 of the NF1 gene, results from a T to A substitution at nucleotide position 5656. The phenylalanine at codon 1886 is replaced by isoleucine, an amino acid with highly similar properties. This amino acid position is conserved. In addition, this alteration is predicted to be deleterious by in silico analysis. Based on the available evidence, the clinical significance of this variant remains unclear.